The following is an entry in ClinVar:

ClinVar aggregate classification (germline): Uncertain significance (1 of 4 stars; one submission).

Conditions:
Cardiovascular phenotype. Identifiers: MedGen CN230736.

Submission:

Ambry Genetics
Classification: Uncertain significance for Cardiovascular phenotype. Last evaluated: 2019-11-21. Review status: criteria provided, single submitter. Criteria: Ambry Variant Classification Scheme 2023. Collection method: clinical testing. Allele origin: germline.
Comment: The p.I152L variant (also known as c.454A>T), located in coding exon 4 of the SOS1 gene, results from an A to T substitution at nucleotide position 454. The isoleucine at codon 152 is replaced by leucine, an amino acid with highly similar properties. This amino acid position is highly conserved in available vertebrate species. In addition, the in silico prediction for this alteration is inconclusive. Since supporting evidence is limited at this time, the clinical significance of this alteration remains unclear.

NM_005633.4(SOS1):c.454A>T (p.Ile152Leu)

Gene: SOS1 (SOS Ras/Rac guanine nucleotide exchange factor 1; minus strand). Cytogenetic location: 2p22.1.
Variant type: single nucleotide variant.
Coding change: c.454A>T on transcript NM_005633.4 (MANE Select); coding-DNA position 454, A replaced by T.
Protein change: p.Ile152Leu; replaces isoleucine 152 with leucine.
Molecular consequence: missense variant.
Genome position (GRCh38, 1-based): chr2:39,056,758, T>A on the plus strand (A>T on the coding strand, the complement: SOS1 is on the minus strand). VCF-style: chr2-39056758-T-A. GRCh37 (hg19) VCF-style: chr2-39283899-T-A.
Other names: c.433A>T, p.Ile145Leu (NM_001382394.1); c.454A>T, p.Ile152Leu (NM_001382395.1); short protein forms I145L, I152L.
Identifiers: ClinVar variation 1741409 (VCV001741409.2), dbSNP rs2465354842, ClinGen allele CA346373514.
Genomic context (GRCh38, chr2:39,056,758, plus strand): 5'-CTACCTTGTCAGCACACATTGCCACTTTAATATCTTGTTTTGTAATTTCATAATGCCGTA[T>A]ATTTCTTACATAATTCCCAACCAGCTTTAAAATGTCTGCAGAAATGTATTCTAAGACTGC-3'
Protein context (NP_005624.2, residues 142-162): LKLVGNYVRN[Ile152Leu]RHYEITKQDI